The following is an entry in ClinVar:

NM_176806.4(MOCS2):c.8C>T (p.Pro3Leu)

Genes: MOCS2 (molybdenum cofactor synthesis 2; minus strand), LOC129993881 (ATAC-STARR-seq lymphoblastoid silent region 16005; plus strand). Cytogenetic location: 5q11.2.
Variant type: single nucleotide variant.
Coding change: c.8C>T on transcript NM_176806.4 (MANE Plus Clinical); coding-DNA position 8, C replaced by T.
Protein change: p.Pro3Leu; replaces proline 3 with leucine.
Molecular consequence: missense variant. On other transcripts: 5 prime UTR variant (1).
Genome position (GRCh38, 1-based): chr5:53,109,722, G>A on the plus strand (C>T on the coding strand, the complement: MOCS2 is on the minus strand). VCF-style: chr5-53109722-G-A. GRCh37 (hg19) VCF-style: chr5-52405552-G-A.
Other names: p.Pro3Leu; c.-641C>T (NM_004531.5); short protein forms P3L.
Identifiers: ClinVar variation 1363283 (VCV001363283.5), dbSNP rs376971119, ClinGen allele CA3263845.

ClinVar aggregate classification (germline): Uncertain significance. Review status: criteria provided, multiple submitters, no conflicts (2 of 4 stars). 3 submissions from 3 submitters: Uncertain significance (3). Last evaluated 2024-01-04.

Allele frequency attached by ClinVar (database versions not stated): ESP Exome Variant Server 0.00008; ExAC 0.00021.
gnomAD v4.1: 63 of 1,551,882 alleles (0.0041%); highest among the groups gnomAD compares: Non-Finnish European, 0.0051%; no homozygotes.

Submissions (3):

Blueprint Genetics
Classification: Uncertain significance. Last evaluated: 2024-01-04. Review status: criteria provided, single submitter. Criteria: ACMG Guidelines, 2015. Collection method: clinical testing. Allele origin: germline.

Mayo Clinic Laboratories, Mayo Clinic
Classification: Uncertain significance. Last evaluated: 2023-04-05. Review status: criteria provided, single submitter. Criteria: ACMG Guidelines, 2015. Collection method: clinical testing. Allele origin: germline. Observed: 1 variant allele.
Comment: BP4, PM2

Labcorp Genetics (formerly Invitae), Labcorp
Classification: Uncertain significance. Last evaluated: 2022-08-19. Review status: criteria provided, single submitter. Criteria: Invitae Variant Classification Sherloc (09022015). Collection method: clinical testing. Allele origin: germline.
Comment: This sequence change replaces proline, which is neutral and non-polar, with leucine, which is neutral and non-polar, at codon 3 of the MOCS2A protein (p.Pro3Leu). This variant is present in population databases (rs376971119, gnomAD 0.02%). This variant has not been reported in the literature in individuals affected with MOCS2A-related conditions. ClinVar contains an entry for this variant (Variation ID: 1363283). Algorithms developed to predict the effect of missense changes on protein structure and function output the following: SIFT: "Deleterious"; PolyPhen-2: "Benign"; Align-GVGD: "Class C0". The leucine amino acid residue is found in multiple mammalian species, which suggests that this missense change does not adversely affect protein function. In summary, the available evidence is currently insufficient to determine the role of this variant in disease. Therefore, it has been classified as a Variant of Uncertain Significance.